The following is an entry in ClinVar:

NM_001354483.2(CSGALNACT1):c.998A>G (p.Glu333Gly)

Gene: CSGALNACT1 (chondroitin sulfate N-acetylgalactosaminyltransferase 1; minus strand). Cytogenetic location: 8p21.3.
Variant type: single nucleotide variant.
Coding change: c.998A>G on transcript NM_001354483.2 (MANE Select); coding-DNA position 998, A replaced by G.
Protein change: p.Glu333Gly; replaces glutamic acid 333 with glycine.
Molecular consequence: missense variant. On other transcripts: non-coding transcript variant (7).
Genome position (GRCh38, 1-based): chr8:19,420,474, T>C on the plus strand (A>G on the coding strand, the complement: CSGALNACT1 is on the minus strand). VCF-style: chr8-19420474-T-C. GRCh37 (hg19) VCF-style: chr8-19277985-T-C.
Other names: c.998A>G, p.Glu333Gly (NM_001130518.2, NM_001354475.2, NM_001354476.2 and 18 more transcripts); c.998A>G (NM_001130518.1); short protein forms E333G.
Identifiers: ClinVar variation 1353233 (VCV001353233.5), dbSNP rs146205646, ClinGen allele CA4653937.

ClinVar aggregate classification (germline): Uncertain significance. Review status: criteria provided, multiple submitters, no conflicts (2 of 4 stars). 2 submissions from 2 submitters: Uncertain significance (2). Last evaluated 2024-01-18.

Conditions:
Inborn genetic diseases. Identifiers: MedGen C0950123, MeSH D030342.

Allele frequency attached by ClinVar (database versions not stated): TOPMed 0.00011; gnomAD exomes 0.00020 and 0.00026; gnomAD 0.00021 and 0.00023; ESP Exome Variant Server 0.00023; ExAC 0.00027.
gnomAD v4.1: 324 of 1,614,092 alleles (0.02%); highest among the groups gnomAD compares: Middle Eastern, 0.083%; 1 homozygote.

Submissions (2):

Labcorp Genetics (formerly Invitae), Labcorp
Classification: Uncertain significance. Last evaluated: 2024-01-18. Review status: criteria provided, single submitter. Criteria: Invitae Variant Classification Sherloc (09022015). Collection method: clinical testing. Allele origin: germline.
Comment: This sequence change replaces glutamic acid, which is acidic and polar, with glycine, which is neutral and non-polar, at codon 333 of the CSGALNACT1 protein (p.Glu333Gly). This variant is present in population databases (rs146205646, gnomAD 0.2%). This variant has not been reported in the literature in individuals affected with CSGALNACT1-related conditions. ClinVar contains an entry for this variant (Variation ID: 1353233). Advanced modeling of protein sequence and biophysical properties (such as structural, functional, and spatial information, amino acid conservation, physicochemical variation, residue mobility, and thermodynamic stability) performed at Invitae indicates that this missense variant is not expected to disrupt CSGALNACT1 protein function with a negative predictive value of 80%. In summary, the available evidence is currently insufficient to determine the role of this variant in disease. Therefore, it has been classified as a Variant of Uncertain Significance.

Ambry Genetics
Classification: Uncertain significance for Inborn genetic diseases. Last evaluated: 2023-11-09. Review status: criteria provided, single submitter. Criteria: Ambry Variant Classification Scheme 2023. Collection method: clinical testing. Allele origin: germline.